The following is an entry in ClinVar:

ClinVar aggregate classification (germline): Likely benign (1 of 4 stars; one submission).

Submission:

CeGaT Center for Human Genetics Tuebingen
Classification: Likely benign. Last evaluated: 2026-09-01. Review status: criteria provided, single submitter. Criteria: CeGaT Center For Human Genetics Tuebingen Variant Classification Criteria Version 2. Collection method: clinical testing. Allele origin: germline. Affected: yes. Observed: 1 variant allele.
Comment: TTN: PM2:Supporting, BP4, BP7

NM_001267550.2(TTN):c.11311+1122G>A

Gene: TTN (titin; minus strand). Cytogenetic location: 2q31.2.
Variant type: single nucleotide variant.
Coding change: c.11311+1122G>A on transcript NM_001267550.2 (MANE Select); 1122 bases into the intron after coding-DNA position 11311, G replaced by A.
Molecular consequence: intron variant. On other transcripts: synonymous variant (1).
Genome position (GRCh38, 1-based): chr2:178,752,002, C>T on the plus strand (G>A on the coding strand, the complement: TTN is on the minus strand). VCF-style: chr2-178752002-C-T. GRCh37 (hg19) VCF-style: chr2-179616729-C-T.
Other names: c.10398G>A, p.Arg3466= (NM_133379.5); c.10222+1122G>A (NM_003319.4); c.10798+1122G>A (NM_133437.4); c.10597+1122G>A (NM_133432.3); c.10360+1122G>A (NM_133378.4, NM_001256850.1).
Identifiers: ClinVar variation 5041354 (VCV005041354.1).